The following is an entry in ClinVar:

ClinVar aggregate classification (germline): Likely pathogenic (1 of 4 stars; one submission).

Conditions:
Granulomatous disease, chronic, autosomal recessive, cytochrome b-negative. Also called: GRANULOMATOUS DISEASE, CHRONIC, AUTOSOMAL RECESSIVE, 4; CGD DUE TO DEFICIENCY OF THE ALPHA SUBUNIT OF CYTOCHROME b; CGD, AUTOSOMAL RECESSIVE CYTOCHROME b-NEGATIVE; CYBA DEFICIENCY; Chronic granulomatous disease, autosomal, due to deficiency of CYBA. Identifiers: Orphanet 379, MedGen C1856255, MONDO:0009308, OMIM 233690.

Allele frequency attached by ClinVar (database versions not stated): gnomAD exomes below 0.00001.
gnomAD v4.1: 5 of 1,612,138 alleles (0.00031%); highest among the groups gnomAD compares: Non-Finnish European, 0.00042%; no homozygotes.

Submission:

Labcorp Genetics (formerly Invitae), Labcorp
Classification: Likely pathogenic for Granulomatous disease, chronic, autosomal recessive, cytochrome b-negative. Last evaluated: 2020-03-14. Review status: criteria provided, single submitter. Criteria: Invitae Variant Classification Sherloc (09022015). Collection method: clinical testing. Allele origin: germline.
Comment: Algorithms developed to predict the effect of sequence changes on RNA splicing suggest that this variant may disrupt the consensus splice site, but this prediction has not been confirmed by published transcriptional studies. Donor and acceptor splice site variants typically lead to a loss of protein function (PMID: 16199547), and loss-of-function variants in CYBA are known to be pathogenic (PMID: 10910929, 20167518, 22876374). In summary, the currently available evidence indicates that the variant is pathogenic, but additional data are needed to prove that conclusively. Therefore, this variant has been classified as Likely Pathogenic. This sequence change affects an acceptor splice site in intron 2 of the CYBA gene. It is expected to disrupt RNA splicing and likely results in an absent or disrupted protein product. This variant is not present in population databases (ExAC no frequency). This variant has not been reported in the literature in individuals with CYBA-related conditions.

Literature cited by the submitters: PubMed 16199547; PubMed 10910929; PubMed 20167518; PubMed 22876374.

NM_000101.4(CYBA):c.129-1G>T

Gene: CYBA (cytochrome b-245 alpha chain; minus strand). Cytogenetic location: 16q24.2.
Variant type: single nucleotide variant.
Coding change: c.129-1G>T on transcript NM_000101.4 (MANE Select); the canonical splice acceptor site of the intron before coding-DNA position 129, G replaced by T.
Molecular consequence: splice acceptor variant.
Genome position (GRCh38, 1-based): chr16:88,647,176, C>A on the plus strand (G>T on the coding strand, the complement: CYBA is on the minus strand). VCF-style: chr16-88647176-C-A. GRCh37 (hg19) VCF-style: chr16-88713584-C-A.
Identifiers: ClinVar variation 1068108 (VCV001068108.7), dbSNP rs1445023836, ClinGen allele CA397065106.